The following is an entry in ClinVar:

NM_000104.4(CYP1B1):c.575A>T (p.Asp192Val)

Gene: CYP1B1 (cytochrome P450 family 1 subfamily B member 1; minus strand). Cytogenetic location: 2p22.2.
Variant type: single nucleotide variant.
Coding change: c.575A>T on transcript NM_000104.4 (MANE Select); coding-DNA position 575, A replaced by T.
Protein change: p.Asp192Val; replaces aspartic acid 192 with valine.
Molecular consequence: missense variant.
Genome position (GRCh38, 1-based): chr2:38,074,814, T>A on the plus strand (A>T on the coding strand, the complement: CYP1B1 is on the minus strand). VCF-style: chr2-38074814-T-A. GRCh37 (hg19) VCF-style: chr2-38301957-T-A.
Other names: short protein forms D192V.
Identifiers: ClinVar variation 2681133 (VCV002681133.5), dbSNP rs1235928280, ClinGen allele CA346328962.

ClinVar aggregate classification (germline): Pathogenic/Likely pathogenic. Review status: criteria provided, multiple submitters, no conflicts (2 of 4 stars). 2 submissions from 2 submitters: Pathogenic (1); Likely pathogenic (1). Last evaluated 2024-02-21.

Conditions:
Congenital glaucoma. Identifiers: MedGen C0020302, MONDO:0020366.
Anterior segment dysgenesis 6 (ASGD6). Also called: Anterior segment dysgenesis 6, multiple subtypes. Identifiers: MedGen C4310623, MONDO:0015016, OMIM 617315.

gnomAD v4.1: 13 of 1,575,588 alleles (0.00083%); highest among the groups gnomAD compares: East Asian, 0.03%; no homozygotes.

Submissions (2):

Baylor Genetics
Classification: Likely pathogenic for Anterior segment dysgenesis 6. Last evaluated: 2024-02-21. Review status: criteria provided, single submitter. Criteria: ACMG Guidelines, 2015. Collection method: clinical testing. Allele origin: unknown.

Labcorp Genetics (formerly Invitae), Labcorp
Classification: Pathogenic for Congenital glaucoma. Last evaluated: 2023-02-21. Review status: criteria provided, single submitter. Criteria: Invitae Variant Classification Sherloc (09022015). Collection method: clinical testing. Allele origin: germline.
Comment: For these reasons, this variant has been classified as Pathogenic. This variant disrupts the p.Asp192 amino acid residue in CYP1B1. Other variant(s) that disrupt this residue have been observed in individuals with CYP1B1-related conditions (PMID: 17718864), which suggests that this may be a clinically significant amino acid residue. Advanced modeling of protein sequence and biophysical properties (such as structural, functional, and spatial information, amino acid conservation, physicochemical variation, residue mobility, and thermodynamic stability) has been performed at Invitae for this missense variant, however the output from this modeling did not meet the statistical confidence thresholds required to predict the impact of this variant on CYP1B1 protein function. This missense change has been observed in individual(s) with primary congenital glaucoma (PMID: 11527932, 20151268). It has also been observed to segregate with disease in related individuals. This variant is not present in population databases (gnomAD no frequency). This sequence change replaces aspartic acid, which is acidic and polar, with valine, which is neutral and non-polar, at codon 192 of the CYP1B1 protein (p.Asp192Val).

Literature cited by the submitters: PubMed 17718864 (cited by Labcorp Genetics (formerly Invitae), Labcorp); PubMed 11527932 (cited by Labcorp Genetics (formerly Invitae), Labcorp); PubMed 20151268 (cited by Labcorp Genetics (formerly Invitae), Labcorp).